The following is an entry in ClinVar:

ClinVar aggregate classification (germline): Uncertain significance. Review status: criteria provided, multiple submitters, no conflicts (2 of 4 stars). 2 submissions from 2 submitters: Uncertain significance (2). Last evaluated 2025-12-29.

Conditions:
Progressive familial heart block type IB (PFHB1B). Identifiers: Orphanet 871, MedGen C1970298, MONDO:0011474, OMIM 604559.
Cardiovascular phenotype. Identifiers: MedGen CN230736.

Allele frequency attached by ClinVar (database versions not stated): gnomAD exomes below 0.00001 and 0.00001; ExAC 0.00001; TOPMed 0.00002; gnomAD 0.00003.
gnomAD v4.1: 8 of 1,614,016 alleles (0.0005%); highest among the groups gnomAD compares: African/African-American, 0.004%; no homozygotes.

Submissions (2):

Labcorp Genetics (formerly Invitae), Labcorp
Classification: Uncertain significance for Progressive familial heart block type IB. Last evaluated: 2025-12-29. Review status: criteria provided, single submitter. Criteria: Invitae Variant Classification Sherloc (09022015). Collection method: clinical testing. Allele origin: germline.
Comment: This sequence change replaces serine, which is neutral and polar, with leucine, which is neutral and non-polar, at codon 471 of the TRPM4 protein (p.Ser471Leu). This variant is present in population databases (rs772271815, gnomAD 0.01%). This variant has not been reported in the literature in individuals affected with TRPM4-related conditions. ClinVar contains an entry for this variant (Variation ID: 1387416). An algorithm developed to predict the effect of missense changes on protein structure and function (PolyPhen-2) suggests that this variant is likely to be disruptive. In summary, the available evidence is currently insufficient to determine the role of this variant in disease. Therefore, it has been classified as a Variant of Uncertain Significance.

Ambry Genetics
Classification: Uncertain significance for Cardiovascular phenotype. Last evaluated: 2021-02-05. Review status: criteria provided, single submitter. Criteria: Ambry Variant Classification Scheme 2023. Collection method: clinical testing. Allele origin: germline.
Comment: The p.S471L variant (also known as c.1412C>T), located in coding exon 11 of the TRPM4 gene, results from a C to T substitution at nucleotide position 1412. The serine at codon 471 is replaced by leucine, an amino acid with dissimilar properties. This amino acid position is well conserved in available vertebrate species. In addition, this alteration is predicted to be tolerated by in silico analysis. Since supporting evidence is limited at this time, the clinical significance of this alteration remains unclear.

NM_017636.4(TRPM4):c.1412C>T (p.Ser471Leu)

Gene: TRPM4 (transient receptor potential cation channel subfamily M member 4; plus strand). Cytogenetic location: 19q13.33.
Variant type: single nucleotide variant.
Coding change: c.1412C>T on transcript NM_017636.4 (MANE Select); coding-DNA position 1412, C replaced by T.
Protein change: p.Ser471Leu; replaces serine 471 with leucine.
Molecular consequence: missense variant. On other transcripts: 5 prime UTR variant (1).
Genome position (GRCh38, 1-based): chr19:49,182,726, C>T. VCF-style: chr19-49182726-C-T. GRCh37 (hg19) VCF-style: chr19-49685983-C-T.
Other names: c.1412C>T, p.Ser471Leu (NM_001195227.2); c.1067C>T, p.Ser356Leu (NM_001321281.2); c.-142C>T (NM_001321282.2); c.890C>T, p.Ser297Leu (NM_001321283.2); c.350C>T, p.Ser117Leu (NM_001321285.2); short protein forms S117L, S356L, S297L, S471L.
Identifiers: ClinVar variation 1387416 (VCV001387416.8), dbSNP rs772271815, ClinGen allele CA9569190.
Genomic context (GRCh38, chr19:49,182,726, plus strand): 5'-TGGGCCACTTCCTGACCCCGATGCGCCTGGCCCAACTCTACAGCGCGGCGCCCTCCAACT[C>T]GCTCATCCGCAACCTTTTGGACCAGGCGTCCCACAGCGCAGGCACCAAAGCCCCAGCCCT-3'
Protein context (NP_060106.2, residues 461-481): AQLYSAAPSN[Ser471Leu]LIRNLLDQAS